The following is an entry in ClinVar:

NM_000429.3(MAT1A):c.769G>A (p.Gly257Arg)

Gene: MAT1A (methionine adenosyltransferase 1A; minus strand). Cytogenetic location: 10q22.3.
Variant type: single nucleotide variant.
Coding change: c.769G>A on transcript NM_000429.3 (MANE Select); coding-DNA position 769, G replaced by A.
Protein change: p.Gly257Arg; replaces glycine 257 with arginine.
Molecular consequence: missense variant.
Genome position (GRCh38, 1-based): chr10:80,275,199, C>T on the plus strand (G>A on the coding strand, the complement: MAT1A is on the minus strand). VCF-style: chr10-80275199-C-T. GRCh37 (hg19) VCF-style: chr10-82034955-C-T.
Other names: short protein forms G257R.
Identifiers: ClinVar variation 2201097 (VCV002201097.4), dbSNP rs771192120, ClinGen allele CA5576705.

ClinVar aggregate classification (germline): Likely pathogenic (1 of 4 stars; one submission).

Conditions:
Hepatic methionine adenosyltransferase deficiency. Also called: Deficiency of methionine adenosyltransferase; Methionine adenosyltransferase deficiency; MAT I/III DEFICIENCY; Isolated Persistent Hypermethioninemia. Identifiers: Orphanet 168598, MedGen C0268621, MeSH C564683, MONDO:0009607, OMIM 250850.

Allele frequency attached by ClinVar (database versions not stated): gnomAD exomes below 0.00001; ExAC 0.00001.

Submission:

Labcorp Genetics (formerly Invitae), Labcorp
Classification: Likely pathogenic for Hepatic methionine adenosyltransferase deficiency. Last evaluated: 2025-09-02. Review status: criteria provided, single submitter. Criteria: Invitae Variant Classification Sherloc (09022015). Collection method: clinical testing. Allele origin: germline.
Comment: This sequence change replaces glycine, which is neutral and non-polar, with arginine, which is basic and polar, at codon 257 of the MAT1A protein (p.Gly257Arg). This variant is present in population databases (rs771192120, gnomAD 0.006%). This missense change has been observed in individual(s) with autosomal recessive hypermethioninemia (PMID: 36704196). This variant has been reported in individual(s) with autosomal dominant hypermethioninemia (PMID: 20675163; internal data); however, the role of the variant in this condition is currently unclear. ClinVar contains an entry for this variant (Variation ID: 2201097). An algorithm developed to predict the effect of missense changes on protein structure and function (PolyPhen-2) suggests that this variant is likely to be disruptive. Experimental studies have shown that this missense change affects MAT1A function (PMID: 20675163). In summary, the currently available evidence indicates that the variant is pathogenic, but additional data are needed to prove that conclusively. Therefore, this variant has been classified as Likely Pathogenic.

Literature cited by the submitters: PubMed 36704196; PubMed 20675163.